The following is an entry in ClinVar:

ClinVar aggregate classification (germline): Pathogenic/Likely pathogenic. Review status: criteria provided, multiple submitters, no conflicts (2 of 4 stars). 2 submissions from 2 submitters: Pathogenic (1); Likely pathogenic (1). Last evaluated 2023-04-17.

Conditions:
Hereditary spastic paraplegia. Also called: Familial spastic paraparesis. Identifiers: Orphanet 685, MedGen C0037773, MONDO:0019064. Disease mechanism: loss of function.
Hereditary spastic paraplegia 11. Also called: Spastic paraplegia, mental retardation and thin corpus callosum; Nakamura Osame syndrome; Autosomal recessive hereditary spastic paraplegia, mental impairment, and thin corpus callosum; SPASTIC PARAPLEGIA, AUTOSOMAL RECESSIVE, COMPLICATED, WITH THIN CORPUS CALLOSUM; SPASTIC PARAPLEGIA, AUTOSOMAL RECESSIVE, WITH MENTAL IMPAIRMENT AND THIN CORPUS CALLOSUM; Spastic Paraplegia 11. Identifiers: Orphanet 2822, MedGen C1858479, MONDO:0011445, OMIM 604360.

Allele frequency attached by ClinVar (database versions not stated): gnomAD 0.00001.
gnomAD v4.1: 3 of 1,613,938 alleles (0.00019%); highest among the groups gnomAD compares: Non-Finnish European, 0.00025%; no homozygotes.

Submissions (2):

Women's Health and Genetics/Laboratory Corporation of America, LabCorp
Classification: Likely pathogenic for Hereditary spastic paraplegia. Last evaluated: 2023-04-17. Review status: criteria provided, single submitter. Criteria: LabCorp Variant Classification Summary - May 2015. Collection method: clinical testing. Allele origin: germline.
Comment: Variant summary: SPG11 c.7000G>C (p.Ala2334Pro) results in a non-conservative amino acid change located in the Spatacsin, C-terminal domain (IPR028107) of the encoded protein sequence. Five of five in-silico tools predict a damaging effect of the variant on protein function. This variant alters a conserved nucleotide located in the exonic-splice region at the first position of exon 39 adjacent to the canonical 3'-splice acceptor site in intron 38 of the SPG11 gene. Several computational tools predict a significant impact on normal splicing: Four predict the variant weakens the canonical 3' splice acceptor site. However, these predictions have yet to be confirmed by functional studies. The variant was absent in 250932 control chromosomes. c.7000G>C has been reported in the literature as a biallelic compound heterozygous genotype in individuals affected with Hereditary Spastic Paraplegia, Type 11 (example, Giannoccaro_2014, Orsucci_2014, Rubegni_2015, Kara_2016, Lopergolo_2022). These data indicate that the variant is likely to be associated with disease. To our knowledge, no experimental evidence demonstrating an impact on protein function has been reported. No clinical diagnostic laboratories have submitted clinical-significance assessments for this variant to ClinVar after 2014. Based on the evidence outlined above, the variant was classified as likely pathogenic.

Labcorp Genetics (formerly Invitae), Labcorp
Classification: Pathogenic for Hereditary spastic paraplegia 11. Last evaluated: 2023-01-06. Review status: criteria provided, single submitter. Criteria: Invitae Variant Classification Sherloc (09022015). Collection method: clinical testing. Allele origin: germline.
Comment: Algorithms developed to predict the effect of missense changes on protein structure and function are either unavailable or do not agree on the potential impact of this missense change (SIFT: "Deleterious"; PolyPhen-2: "Probably Damaging"; Align-GVGD: "Class C0"). This variant is present in population databases (rs764647588, gnomAD 0.003%). This sequence change replaces alanine, which is neutral and non-polar, with proline, which is neutral and non-polar, at codon 2334 of the SPG11 protein (p.Ala2334Pro). This missense change has been observed in individual(s) with hereditary spastic paraplegia (PMID: 24731568, 25059394, 27217339, 35066644). In at least one individual the data is consistent with being in trans (on the opposite chromosome) from a pathogenic variant. For these reasons, this variant has been classified as Pathogenic. Algorithms developed to predict the effect of sequence changes on RNA splicing suggest that this variant may create or strengthen a splice site.

Literature cited by the submitters: PubMed 27217339 (cited by Women's Health and Genetics/Laboratory Corporation of America, LabCorp and Labcorp Genetics (formerly Invitae), Labcorp); PubMed 24731568 (cited by Women's Health and Genetics/Laboratory Corporation of America, LabCorp and Labcorp Genetics (formerly Invitae), Labcorp); PubMed 25059394 (cited by Women's Health and Genetics/Laboratory Corporation of America, LabCorp and Labcorp Genetics (formerly Invitae), Labcorp); PubMed 35066644 (cited by Women's Health and Genetics/Laboratory Corporation of America, LabCorp and Labcorp Genetics (formerly Invitae), Labcorp); PubMed 26183056 (cited by Women's Health and Genetics/Laboratory Corporation of America, LabCorp); PubMed 30081747 (cited by Women's Health and Genetics/Laboratory Corporation of America, LabCorp).

NM_025137.4(SPG11):c.7000G>C (p.Ala2334Pro)

Gene: SPG11 (SPG11 vesicle trafficking associated, spatacsin; minus strand). Cytogenetic location: 15q21.1.
Variant type: single nucleotide variant.
Coding change: c.7000G>C on transcript NM_025137.4 (MANE Select); coding-DNA position 7000, G replaced by C.
Protein change: p.Ala2334Pro; replaces alanine 2334 with proline.
Molecular consequence: missense variant.
Genome position (GRCh38, 1-based): chr15:44,564,698, C>G on the plus strand (G>C on the coding strand, the complement: SPG11 is on the minus strand). VCF-style: chr15-44564698-C-G. GRCh37 (hg19) VCF-style: chr15-44856896-C-G.
Other names: c.7000G>C (NM_025137.3); c.6661G>C, p.Ala2221Pro (NM_001160227.2); c.6856G>C, p.Ala2286Pro (NM_001411132.1); short protein forms A2221P, A2286P, A2334P.
Identifiers: ClinVar variation 2503827 (VCV002503827.4), dbSNP rs764647588, ClinGen allele CA7533923.